The following is an entry in ClinVar:

ClinVar aggregate classification (germline): Uncertain significance (0 of 4 stars; one submission).

Conditions:
MC3R-related disorder. Also called: MC3R-related condition.

Submission:

PreventionGenetics, part of Exact Sciences
Classification: Uncertain significance for MC3R-related condition. Last evaluated: 2024-01-14. Review status: no assertion criteria provided. Collection method: clinical testing. Allele origin: germline.
Comment: The MC3R c.955G>A variant is predicted to result in the amino acid substitution p.Gly319Ser. To our knowledge, this variant has not been reported in the literature. This variant is reported in 0.00089% of alleles in individuals of European (Non-Finnish) descent in gnomAD. At this time, the clinical significance of this variant is uncertain due to the absence of conclusive functional and genetic evidence.

NM_019888.3(MC3R):c.955G>A (p.Gly319Ser)

Gene: MC3R (melanocortin 3 receptor; plus strand). Cytogenetic location: 20q13.2.
Variant type: single nucleotide variant.
Coding change: c.955G>A on transcript NM_019888.3 (MANE Select); coding-DNA position 955, G replaced by A.
Protein change: p.Gly319Ser; replaces glycine 319 with serine.
Molecular consequence: missense variant.
Genome position (GRCh38, 1-based): chr20:56,249,798, G>A. VCF-style: chr20-56249798-G-A. GRCh37 (hg19) VCF-style: chr20-54824854-G-A.
Other names: short protein forms G319S.
Identifiers: ClinVar variation 3348037 (VCV003348037.1).